The following is an entry in ClinVar:

NM_032444.4(SLX4):c.3101G>A (p.Arg1034His)

Gene: SLX4 (SLX4 structure-specific endonuclease subunit; minus strand). Cytogenetic location: 16p13.3.
Variant type: single nucleotide variant.
Coding change: c.3101G>A on transcript NM_032444.4 (MANE Select); coding-DNA position 3101, G replaced by A.
Protein change: p.Arg1034His; replaces arginine 1034 with histidine.
Molecular consequence: missense variant.
Genome position (GRCh38, 1-based): chr16:3,590,537, C>T on the plus strand (G>A on the coding strand, the complement: SLX4 is on the minus strand). VCF-style: chr16-3590537-C-T. GRCh37 (hg19) VCF-style: chr16-3640538-C-T.
Other names: c.3101G>A (LRG_503t1); short protein forms R1034H.
Identifiers: ClinVar variation 407910 (VCV000407910.12), dbSNP rs150453226, ClinGen allele CA7865994.

ClinVar aggregate classification (germline): Uncertain significance. Review status: criteria provided, multiple submitters, no conflicts (2 of 4 stars). 3 submissions from 3 submitters: Uncertain significance (3). Last evaluated 2026-01-18.

Conditions:
Fanconi anemia complementation group P. Also called: SLX4-Related Fanconi Anemia. Identifiers: Orphanet 84, MedGen C3469542, MONDO:0013499, OMIM 613951.
Fanconi anemia (FA). Also called: Fanconi's anemia. Identifiers: Orphanet 84, MedGen C0015625, MeSH D005199, MONDO:0019391.

Allele frequency attached by ClinVar (database versions not stated): ExAC 0.00005; gnomAD 0.00006; TOPMed 0.00006; gnomAD exomes 0.00008 and 0.00009; ESP Exome Variant Server 0.00015.
gnomAD v4.1: 139 of 1,612,694 alleles (0.0086%); highest among the groups gnomAD compares: East Asian, 0.016%; no homozygotes.

Submissions (3):

Labcorp Genetics (formerly Invitae), Labcorp
Classification: Uncertain significance for Fanconi anemia. Last evaluated: 2026-01-18. Review status: criteria provided, single submitter. Criteria: Invitae Variant Classification Sherloc (09022015). Collection method: clinical testing. Allele origin: germline.
Comment: This sequence change replaces arginine, which is basic and polar, with histidine, which is basic and polar, at codon 1034 of the SLX4 protein (p.Arg1034His). This variant is present in population databases (rs150453226, gnomAD 0.02%). This missense change has been observed in individual(s) with familial breast cancer (PMID: 21805310). ClinVar contains an entry for this variant (Variation ID: 407910). An algorithm developed to predict the effect of missense changes on protein structure and function (PolyPhen-2) suggests that this variant is likely to be tolerated. In summary, the available evidence is currently insufficient to determine the role of this variant in disease. Therefore, it has been classified as a Variant of Uncertain Significance.

Fulgent Genetics
Classification: Uncertain significance for Fanconi anemia complementation group P. Last evaluated: 2024-03-19. Review status: criteria provided, single submitter. Criteria: ACMG Guidelines, 2015. Collection method: clinical testing. Allele origin: germline.

Revvity Omics, Revvity
Classification: Uncertain significance for Fanconi anemia complementation group P. Last evaluated: 2019-05-21. Review status: criteria provided, single submitter. Criteria: ACMG Guidelines, 2015. Collection method: clinical testing. Allele origin: germline.

Literature cited by the submitters: PubMed 21805310 (cited by Labcorp Genetics (formerly Invitae), Labcorp).